The following is an entry in ClinVar:

NM_000053.4(ATP7B):c.1285G>A (p.Glu429Lys)

Gene: ATP7B (ATPase copper transporting beta; minus strand). Cytogenetic location: 13q14.3.
Variant type: single nucleotide variant.
Coding change: c.1285G>A on transcript NM_000053.4 (MANE Select); coding-DNA position 1285, G replaced by A.
Protein change: p.Glu429Lys; replaces glutamic acid 429 with lysine.
Molecular consequence: missense variant.
Genome position (GRCh38, 1-based): chr13:51,973,935, C>T on the plus strand (G>A on the coding strand, the complement: ATP7B is on the minus strand). VCF-style: chr13-51973935-C-T. GRCh37 (hg19) VCF-style: chr13-52548071-C-T.
Other names: c.1285G>A, p.Glu429Lys (NM_001406531.1, NM_001406532.1, NM_001406534.1 and 28 more transcripts); c.1189G>A, p.Glu397Lys (NM_001406536.1, NM_001406517.1, NM_001406518.1 and 3 more transcripts); c.856G>A, p.Glu286Lys (NM_001406539.1); c.952G>A, p.Glu318Lys (NM_001243182.2); c.1285G>A, p.Gly429Arg (NM_001406548.1); short protein forms E397K, E318K, E429K, G429R, E286K.
Identifiers: ClinVar variation 3709023 (VCV003709023.2).

ClinVar aggregate classification (germline): Uncertain significance (1 of 4 stars; one submission).

Conditions:
Wilson disease (WND). Also called: Wilson's disease. Identifiers: Orphanet 905, MedGen C0019202, MONDO:0010200, OMIM 277900. Disease mechanism: loss of function.

Submission:

Labcorp Genetics (formerly Invitae), Labcorp
Classification: Uncertain significance for Wilson disease. Last evaluated: 2025-05-30. Review status: criteria provided, single submitter. Criteria: Invitae Variant Classification Sherloc (09022015). Collection method: clinical testing. Allele origin: germline.
Comment: This sequence change affects codon 429 of the ATP7B mRNA. It is a 'silent' change, meaning that it does not change the encoded amino acid sequence of the ATP7B protein. This variant also falls at the last nucleotide of exon 2, which is part of the consensus splice site for this exon. This variant is not present in population databases (gnomAD no frequency). This variant has not been reported in the literature in individuals affected with ATP7B-related conditions. ClinVar contains an entry for this variant (Variation ID: 3709023). An algorithm developed to predict the effect of missense changes on protein structure and function (PolyPhen-2) suggests that this variant is likely to be tolerated. Variants that disrupt the consensus splice site are a relatively common cause of aberrant splicing (PMID: 17576681, 9536098). Algorithms developed to predict the effect of sequence changes on RNA splicing suggest that this variant may disrupt the consensus splice site. In summary, the available evidence is currently insufficient to determine the role of this variant in disease. Therefore, it has been classified as a Variant of Uncertain Significance.

Literature cited by the submitters: PubMed 17576681; PubMed 9536098.